The following is an entry in ClinVar:

NM_001127208.3(TET2):c.1247C>G (p.Pro416Arg)

Genes: TET2 (tet methylcytosine dioxygenase 2; plus strand), TET2-AS1 (TET2 antisense RNA 1; minus strand). Cytogenetic location: 4q24.
Variant type: single nucleotide variant.
Coding change: c.1247C>G on transcript NM_001127208.3 (MANE Select); coding-DNA position 1247, C replaced by G.
Protein change: p.Pro416Arg; replaces proline 416 with arginine.
Molecular consequence: missense variant.
Genome position (GRCh38, 1-based): chr4:105,235,189, C>G. VCF-style: chr4-105235189-C-G. GRCh37 (hg19) VCF-style: chr4-106156346-C-G.
Other names: c.1247C>G, p.Pro416Arg (NM_017628.4); short protein forms P416R.
Identifiers: ClinVar variation 4594203 (VCV004594203.1).

ClinVar aggregate classification (germline): Uncertain significance (1 of 4 stars; one submission).

Submission:

Ambry Genetics
Classification: Uncertain significance. Last evaluated: 2025-11-15. Review status: criteria provided, single submitter. Criteria: Ambry Variant Classification Scheme 2023. Collection method: clinical testing. Allele origin: germline.
Comment: The p.P416R variant (also known as c.1247C>G), located in coding exon 1 of the TET2 gene, results from a C to G substitution at nucleotide position 1247. The proline at codon 416 is replaced by arginine, an amino acid with dissimilar properties. This amino acid position is conserved. In addition, this alteration is predicted to be tolerated by in silico analysis. Based on the available evidence, the clinical significance of this variant remains unclear.